The following is an entry in ClinVar:

ClinVar aggregate classification (germline): Uncertain significance (1 of 4 stars; one submission).

Submission:

GeneDx
Classification: Uncertain significance. Last evaluated: 2025-05-12. Review status: criteria provided, single submitter. Criteria: GeneDx Variant Classification Process June 2021. Collection method: clinical testing. Allele origin: germline. Affected: yes.
Comment: Not observed at significant frequency in large population cohorts (gnomAD); In silico analysis supports that this missense variant has a deleterious effect on protein structure/function; Has not been previously published as pathogenic or benign to our knowledge

NM_015100.4(POGZ):c.2009A>G (p.His670Arg)

Gene: POGZ (pogo transposable element derived with ZNF domain; minus strand). Cytogenetic location: 1q21.3.
Variant type: single nucleotide variant.
Coding change: c.2009A>G on transcript NM_015100.4 (MANE Select); coding-DNA position 2009, A replaced by G.
Protein change: p.His670Arg; replaces histidine 670 with arginine.
Molecular consequence: missense variant.
Genome position (GRCh38, 1-based): chr1:151,408,746, T>C on the plus strand (A>G on the coding strand, the complement: POGZ is on the minus strand). VCF-style: chr1-151408746-T-C. GRCh37 (hg19) VCF-style: chr1-151381222-T-C.
Other names: c.1982A>G, p.His661Arg (NM_001194937.2); c.1823A>G, p.His608Arg (NM_001194938.2); c.2030A>G, p.His677Arg (NM_001410860.1); c.1724A>G, p.His575Arg (NM_145796.4); c.1850A>G, p.His617Arg (NM_207171.2); short protein forms H670R, H677R, H575R, H608R, H617R, H661R.
Identifiers: ClinVar variation 4529856 (VCV004529856.1).